The following is an entry in ClinVar:

NM_001374828.1(ARID1B):c.5262C>T (p.Ile1754=)

Gene: ARID1B (AT-rich interaction domain 1B; plus strand). Cytogenetic location: 6q25.3.
Variant type: single nucleotide variant.
Coding change: c.5262C>T on transcript NM_001374828.1 (MANE Select); coding-DNA position 5262, C replaced by T.
Protein change: p.Ile1754=; no amino-acid change (isoleucine 1754 retained).
Molecular consequence: synonymous variant.
Genome position (GRCh38, 1-based): chr6:157,201,487, C>T. VCF-style: chr6-157201487-C-T. GRCh37 (hg19) VCF-style: chr6-157522621-C-T.
Other names: c.5013C>T, p.Ile1671= (NM_001346813.1); c.2763C>T, p.Ile921= (NM_001363725.2); c.5142C>T, p.Ile1714= (NM_001371656.1, NM_001374820.1); c.5103C>T, p.Ile1701= (NM_017519.3); c.4893C>T, p.Ile1631= (NM_020732.3); c.4680C>T, p.Ile1560= (NM_175863.2).
Identifiers: ClinVar variation 1743872 (VCV001743872.8), dbSNP rs550054527, ClinGen allele CA4067775.
Genomic context (GRCh38, chr6:157,201,487, plus strand): 5'-CTCAGTAGAAGCATCACAACCAGTCTTGAAACAAAGGCGAAAGATTACCTCCAAAGATAT[C>T]GGTAAGAATTCCAAAGCTTTCATTCTGAAATGAATTCCAGTTGCAGTGTAGAATTTTAAT-3'
Protein context (NP_001361757.1, residues 1744-1764): KQRRKITSKD[Ile1754=]VTPEAWRVMM

ClinVar aggregate classification (germline): Benign/Likely benign. Review status: criteria provided, multiple submitters, no conflicts (2 of 4 stars). 4 submissions from 4 submitters: Benign (1); Likely benign (2). 1 of the submissions does not count toward it. Last evaluated 2023-11-13.

Conditions:
ARID1B-Related Disorder. Identifiers: MedGen CN381337.
Inborn genetic diseases. Identifiers: MedGen C0950123, MeSH D030342.

Allele frequency attached by ClinVar (database versions not stated): TOPMed 0.00003; gnomAD 0.00006; ExAC 0.00015; 1000 Genomes Project 30x 0.00016; 1000 Genomes Project 0.00020.
gnomAD v4.1: 83 of 1,492,118 alleles (0.0056%); highest among the groups gnomAD compares: East Asian, 0.18%; no homozygotes.

Submissions (4):

Labcorp Genetics (formerly Invitae), Labcorp
Classification: Likely benign. Last evaluated: 2023-11-13. Review status: criteria provided, single submitter. Criteria: Invitae Variant Classification Sherloc (09022015). Collection method: clinical testing. Allele origin: germline.

Blueprint Genetics
Classification: Likely benign. Last evaluated: 2023-02-17. Review status: criteria provided, single submitter. Criteria: ACMG Guidelines, 2015. Collection method: clinical testing. Allele origin: germline.

Ambry Genetics
Classification: Benign for Inborn genetic diseases. Last evaluated: 2019-02-23. Review status: criteria provided, single submitter. Criteria: Ambry Variant Classification Scheme 2023. Collection method: clinical testing. Allele origin: germline.

PreventionGenetics, part of Exact Sciences
Classification: Likely benign for ARID1B-related condition. Last evaluated: 2022-01-19. Review status: no assertion criteria provided. Collection method: clinical testing. Allele origin: germline. Not counted in ClinVar's aggregate classification.
Comment: This variant is classified as likely benign based on ACMG/AMP sequence variant interpretation guidelines (Richards et al. 2015 PMID: 25741868, with internal and published modifications).